The following is an entry in ClinVar:

NM_003280.3(TNNC1):c.257A>C (p.Lys86Thr)

Gene: TNNC1 (troponin C1, slow skeletal and cardiac type; minus strand). Cytogenetic location: 3p21.1.
Variant type: single nucleotide variant.
Coding change: c.257A>C on transcript NM_003280.3 (MANE Select); coding-DNA position 257, A replaced by C.
Protein change: p.Lys86Thr; replaces lysine 86 with threonine.
Molecular consequence: missense variant.
Genome position (GRCh38, 1-based): chr3:52,451,804, T>G on the plus strand (A>C on the coding strand, the complement: TNNC1 is on the minus strand). VCF-style: chr3-52451804-T-G. GRCh37 (hg19) VCF-style: chr3-52485820-T-G.
Other names: short protein forms K86T.
Identifiers: ClinVar variation 2125406 (VCV002125406.4), dbSNP rs1706331249, ClinGen allele CA353167332.

ClinVar aggregate classification (germline): Uncertain significance (1 of 4 stars; one submission).

Conditions:
Dilated cardiomyopathy 1Z (CMD1Z). Identifiers: Orphanet 154, MedGen C2678475, MONDO:0012745, OMIM 611879.
Hypertrophic cardiomyopathy 13. Also called: TNNC1-Related Familial Hypertrophic Cardiomyopathy. Identifiers: MedGen C2750472, MONDO:0013195, OMIM 613243.

Submission:

Labcorp Genetics (formerly Invitae), Labcorp
Classification: Uncertain significance for Hypertrophic cardiomyopathy 13; Dilated cardiomyopathy 1Z. Last evaluated: 2022-04-12. Review status: criteria provided, single submitter. Criteria: Invitae Variant Classification Sherloc (09022015). Collection method: clinical testing. Allele origin: germline.
Comment: In summary, the available evidence is currently insufficient to determine the role of this variant in disease. Therefore, it has been classified as a Variant of Uncertain Significance. Algorithms developed to predict the effect of missense changes on protein structure and function (SIFT, PolyPhen-2, Align-GVGD) all suggest that this variant is likely to be tolerated. This variant has not been reported in the literature in individuals affected with TNNC1-related conditions. This variant is not present in population databases (gnomAD no frequency). This sequence change replaces lysine, which is basic and polar, with threonine, which is neutral and polar, at codon 86 of the TNNC1 protein (p.Lys86Thr).